The following is an entry in ClinVar:

NM_005359.6(SMAD4):c.877C>T (p.Pro293Ser)

Gene: SMAD4 (SMAD family member 4; plus strand). Cytogenetic location: 18q21.2.
Variant type: single nucleotide variant.
Coding change: c.877C>T on transcript NM_005359.6 (MANE Select); coding-DNA position 877, C replaced by T.
Protein change: p.Pro293Ser; replaces proline 293 with serine.
Molecular consequence: missense variant.
Genome position (GRCh38, 1-based): chr18:51,058,429, C>T. VCF-style: chr18-51058429-C-T. GRCh37 (hg19) VCF-style: chr18-48584799-C-T.
Other names: short protein forms P293S.
Identifiers: ClinVar variation 492499 (VCV000492499.7), dbSNP rs1555685965, ClinGen allele CA402463566.

ClinVar aggregate classification (germline): Uncertain significance. Review status: criteria provided, multiple submitters, no conflicts (2 of 4 stars). 2 submissions from 2 submitters: Uncertain significance (2). Last evaluated 2023-12-05.

Conditions:
Hereditary cancer-predisposing syndrome. Also called: Tumor predisposition; Hereditary Cancer Syndrome; Neoplastic Syndromes, Hereditary; Hereditary neoplastic syndrome. Identifiers: Orphanet 140162, MedGen C0027672, MeSH D009386, MONDO:0015356.

Submissions (2):

Color Diagnostics, LLC DBA Color Health
Classification: Uncertain significance for Hereditary cancer-predisposing syndrome. Last evaluated: 2023-12-05. Review status: criteria provided, single submitter. Criteria: ACMG Guidelines, 2015. Collection method: clinical testing. Allele origin: germline.
Comment: This missense variant replaces proline with serine at codon 293 of the SMAD4 protein. Computational prediction suggests that this variant may not impact protein structure and function (internally defined REVEL score threshold <= 0.5, PMID: 27666373). To our knowledge, functional studies have not been reported for this variant. This variant has not been reported in individuals affected with SMAD4-related disorders in the literature. This variant has not been identified in the general population by the Genome Aggregation Database (gnomAD). The available evidence is insufficient to determine the role of this variant in disease conclusively. Therefore, this variant is classified as a Variant of Uncertain Significance.

Blueprint Genetics
Classification: Uncertain significance. Last evaluated: 2018-05-15. Review status: criteria provided, single submitter. Criteria: ACMG Guidelines, 2015. Collection method: clinical testing. Allele origin: germline.